The following is an entry in ClinVar:

ClinVar aggregate classification (germline): Benign/Likely benign. Review status: criteria provided, multiple submitters, no conflicts (2 of 4 stars). 11 submissions from 11 submitters: Benign (6); Likely benign (1). 4 of the submissions do not count toward it. Last evaluated 2026-02-04.

Conditions:
Spastic ataxia 4. Identifiers: Orphanet 254343, MedGen C3150925, MONDO:0013354, OMIM 613672.

Allele frequency attached by ClinVar (database versions not stated): 1000 Genomes Project 30x 0.21643; 1000 Genomes Project 0.21845; TOPMed 0.24143; gnomAD exomes 0.24606 and 0.27009; gnomAD 0.24628 and 0.24641; ExAC 0.24999; ESP Exome Variant Server 0.26226.
gnomAD v4.1: 431,770 of 1,613,486 alleles (27%); highest among the groups gnomAD compares: Non-Finnish European, 28%; 58,995 homozygotes.

Submissions (11):

Labcorp Genetics (formerly Invitae), Labcorp
Classification: Benign. Last evaluated: 2026-02-04. Review status: criteria provided, single submitter. Criteria: Invitae Variant Classification Sherloc (09022015). Collection method: clinical testing. Allele origin: germline.

Blueprint Genetics
Classification: Likely benign. Last evaluated: 2024-11-27. Review status: criteria provided, single submitter. Criteria: ACMG Guidelines, 2015. Collection method: clinical testing. Allele origin: germline.

Genome-Nilou Lab
Classification: Benign for Spastic ataxia 4. Last evaluated: 2021-09-05. Review status: criteria provided, single submitter. Criteria: ACMG Guidelines, 2015. Collection method: clinical testing. Allele origin: germline. Affected: no.

Clinical Genetics DNA and cytogenetics Diagnostics Lab, Erasmus MC, Erasmus Medical Center
Classification: Benign for Spastic ataxia 4. Last evaluated: 2015-09-21. Review status: criteria provided, single submitter. Criteria: ACGS Guidelines, 2013. Collection method: clinical testing. Allele origin: germline. Affected: yes. Study: VKGL Data-share Consensus.

GeneDx
Classification: Benign. Last evaluated: 2013-09-06. Review status: criteria provided, single submitter. Criteria: GeneDx Variant Classification (06012015). Collection method: clinical testing. Allele origin: germline. Affected: yes.
Comment: This variant is considered likely benign or benign based on one or more of the following criteria: it is a conservative change, it occurs at a poorly conserved position in the protein, it is predicted to be benign by multiple in silico algorithms, and/or has population frequency not consistent with disease.

Breakthrough Genomics
Classification: Benign. Review status: criteria provided, single submitter. Criteria: ACMG Guidelines, 2015. Collection method: not provided. Allele origin: germline. Inheritance: Autosomal recessive inheritance. Affected: yes.

PreventionGenetics, part of Exact Sciences
Classification: Benign. Review status: criteria provided, single submitter. Criteria: ACMG Guidelines, 2015. Collection method: clinical testing. Allele origin: germline.

Mayo Clinic Laboratories, Mayo Clinic
Classification: Benign. Last evaluated: 2016-02-20. Review status: no assertion criteria provided. Collection method: clinical testing. Allele origin: unknown. Not counted in ClinVar's aggregate classification.

Diagnostic Laboratory, Department of Genetics, University Medical Center Groningen
Classification: Benign for Spastic ataxia 4. Review status: no assertion criteria provided. Collection method: clinical testing. Allele origin: germline. Affected: yes. Study: VKGL Data-share Consensus. Not counted in ClinVar's aggregate classification.

Genetic Services Laboratory, University of Chicago
Classification: Likely benign for AllHighlyPenetrant. Review status: no assertion criteria provided. Collection method: clinical testing. Allele origin: germline. Inheritance: Autosomal recessive inheritance. Not counted in ClinVar's aggregate classification.
Comment: Likely benign based on allele frequency in 1000 Genomes Project or ESP global frequency and its presence in a patient with a rare or unrelated disease phenotype. NOT Sanger confirmed.

Joint Genome Diagnostic Labs from Nijmegen and Maastricht, Radboudumc and MUMC+
Classification: Benign. Review status: no assertion criteria provided. Collection method: clinical testing. Allele origin: germline. Affected: yes. Study: VKGL Data-share Consensus. Not counted in ClinVar's aggregate classification.

NM_018109.4(MTPAP):c.484C>T (p.Arg162Cys)

Gene: MTPAP (mitochondrial poly(A) polymerase; minus strand). Cytogenetic location: 10p11.23.
Variant type: single nucleotide variant.
Coding change: c.484C>T on transcript NM_018109.4 (MANE Select); coding-DNA position 484, C replaced by T.
Protein change: p.Arg162Cys; replaces arginine 162 with cysteine.
Molecular consequence: missense variant.
Genome position (GRCh38, 1-based): chr10:30,340,297, G>A on the plus strand (C>T on the coding strand, the complement: MTPAP is on the minus strand). VCF-style: chr10-30340297-G-A. GRCh37 (hg19) VCF-style: chr10-30629226-G-A.
Other names: p.R162C:CGC>TGC; short protein forms R162C.
Identifiers: ClinVar variation 129624 (VCV000129624.24), dbSNP rs1047991, ClinGen allele CA153723.
Genomic context (GRCh38, chr10:30,340,297, plus strand): 5'-AACAAAGTAATTCAAAAAGCTGCTTGTTTGAACGTGGCAACTGATTACTTGACCGTACGC[G>A]TGACCGTTCAGAAGTCTGGTTTTTCAACTTCAGATTGAAGAAACGTGATCTGAATGGAAT-3'
Protein context (NP_060579.3, residues 152-172): KLKNQTSERS[Arg162Cys]VRSSNQLPRS